The following is an entry in ClinVar:

NM_001377458.1(CLCC1):c.1160A>T (p.Tyr387Phe)

Gene: CLCC1 (chloride channel CLIC like 1; minus strand). Cytogenetic location: 1p13.3.
Variant type: single nucleotide variant.
Coding change: c.1160A>T on transcript NM_001377458.1 (MANE Select); coding-DNA position 1160, A replaced by T.
Protein change: p.Tyr387Phe; replaces tyrosine 387 with phenylalanine.
Molecular consequence: missense variant. On other transcripts: non-coding transcript variant (1).
Genome position (GRCh38, 1-based): chr1:108,937,300, T>A on the plus strand (A>T on the coding strand, the complement: CLCC1 is on the minus strand). VCF-style: chr1-108937300-T-A. GRCh37 (hg19) VCF-style: chr1-109479922-T-A.
Other names: c.1160A>T, p.Tyr387Phe (NM_001048210.3, NM_001377459.1, NM_001377460.1 and 8 more transcripts); c.797A>T, p.Tyr266Phe (NM_001278202.2); c.605A>T, p.Tyr202Phe (NM_001278203.1); c.1058A>T, p.Tyr353Phe (NM_001377469.1); c.869A>T, p.Tyr290Phe (NM_001377470.1); c.1010A>T, p.Tyr337Phe (NM_015127.5); short protein forms Y353F, Y387F, Y202F, Y266F, Y337F, Y290F.
Identifiers: ClinVar variation 1490180 (VCV001490180.8), dbSNP rs1457028176, ClinGen allele CA341457964.

ClinVar aggregate classification (germline): Uncertain significance (1 of 4 stars; one submission).

Allele frequency attached by ClinVar (database versions not stated): gnomAD 0.00001.
gnomAD v4.1: 2 of 1,614,118 alleles (0.00012%); highest among the groups gnomAD compares: African/African-American, 0.0027%; no homozygotes.

Submission:

Labcorp Genetics (formerly Invitae), Labcorp
Classification: Uncertain significance. Last evaluated: 2022-10-13. Review status: criteria provided, single submitter. Criteria: Invitae Variant Classification Sherloc (09022015). Collection method: clinical testing. Allele origin: germline.
Comment: This variant has not been reported in the literature in individuals affected with CLCC1-related conditions. In summary, the available evidence is currently insufficient to determine the role of this variant in disease. Therefore, it has been classified as a Variant of Uncertain Significance. Algorithms developed to predict the effect of missense changes on protein structure and function are either unavailable or do not agree on the potential impact of this missense change (SIFT: "Tolerated"; PolyPhen-2: "Possibly Damaging"; Align-GVGD: "Class C0"). ClinVar contains an entry for this variant (Variation ID: 1490180). This variant is not present in population databases (gnomAD no frequency). This sequence change replaces tyrosine, which is neutral and polar, with phenylalanine, which is neutral and non-polar, at codon 387 of the CLCC1 protein (p.Tyr387Phe).